The following is an entry in ClinVar:

ClinVar aggregate classification (germline): Uncertain significance (1 of 4 stars; one submission).

Conditions:
Birt-Hogg-Dube syndrome. Also called: Birt Hogg Dubé syndrome. Identifiers: Orphanet 122, MedGen C0346010, MONDO:0800444.

Submission:

Labcorp Genetics (formerly Invitae), Labcorp
Classification: Uncertain significance for Birt-Hogg-Dube syndrome. Last evaluated: 2024-04-10. Review status: criteria provided, single submitter. Criteria: Invitae Variant Classification Sherloc (09022015). Collection method: clinical testing. Allele origin: germline.
Comment: This variant, c.1253_1260delinsAG, is a complex sequence change that results in the deletion of 3 and insertion of 1 amino acid(s) in the FLCN protein (p.Leu418_Leu420delinsGln). This variant is not present in population databases (gnomAD no frequency). This variant has been observed in individual(s) with clinical features of Birt-Hogg-Dubé syndrome (Invitae). Experimental studies and prediction algorithms are not available or were not evaluated, and the functional significance of this variant is currently unknown. In summary, the available evidence is currently insufficient to determine the role of this variant in disease. Therefore, it has been classified as a Variant of Uncertain Significance.

NM_144997.7(FLCN):c.1253_1260delinsAG (p.Leu418_Leu420delinsGln)

Gene: FLCN (folliculin; minus strand). Cytogenetic location: 17p11.2.
Variant type: Indel.
Coding change: c.1253_1260delinsAG on transcript NM_144997.7 (MANE Select); coding-DNA positions 1253 to 1260, TGGGGCTC replaced by AG.
Protein change: p.Leu418_Leu420delinsGln.
Molecular consequence: inframe indel.
Genome position (GRCh38, 1-based): chr17:17,216,420-17,216,427, GAGCCCCA replaced by CT on the plus strand (TGGGGCTC replaced by AG on the coding strand, the reverse complement: FLCN is on the minus strand). VCF-style: chr17-17216420-GAGCCCCA-CT. GRCh37 (hg19) VCF-style: chr17-17119734-GAGCCCCA-CT.
Other names: c.1307_1314delinsAG, p.Leu436_Leu438delinsGln (NM_001353229.2); c.1253_1260delinsAG, p.Leu418_Leu420delinsGln (NM_001353230.2, NM_001353231.2).
Identifiers: ClinVar variation 970712 (VCV000970712.6), dbSNP rs2046923143, ClinGen allele CA1139665244.